The following is an entry in ClinVar:

ClinVar aggregate classification (germline): Pathogenic/Likely pathogenic. Review status: criteria provided, multiple submitters, no conflicts (2 of 4 stars). 2 submissions from 2 submitters: Pathogenic (1); Likely pathogenic (1). Last evaluated 2024-04-16.

Conditions:
Primary ciliary dyskinesia 3. Identifiers: Orphanet 244, MedGen C1837618, MONDO:0012085, OMIM 608644.
DNAH5-related disorders.

Submissions (2):

Blueprint Genetics
Classification: Likely pathogenic for DNAH5-related disorders. Last evaluated: 2024-04-16. Review status: criteria provided, single submitter. Criteria: ACMG Guidelines, 2015. Collection method: clinical testing. Allele origin: germline. Affected: yes. Observed: 1 variant allele.

Myriad Genetics, Inc.
Classification: Pathogenic for Primary ciliary dyskinesia 3. Last evaluated: 2023-08-16. Review status: criteria provided, single submitter. Criteria: Myriad Autosomal Dominant, Autosomal Recessive and X-Linked Classification Criteria (2023). Collection method: clinical testing. Allele origin: unknown.
Comment: NM_001369.2(DNAH5):c.2829_2835del7(K946Lfs*4) is expected to be pathogenic in the context of primary ciliary dyskinesia, DNAH5-related. This variant is predicted to lead to an abnormal or absent protein product due to the creation of a premature termination codon in DNAH5, a gene where loss-of-function variants are known to be pathogenic. Please note: this variant was assessed in the context of healthy population screening.

NM_001369.3(DNAH5):c.2829_2835del (p.Lys946fs)

Genes: DNAH5 (dynein axonemal heavy chain 5; minus strand), DNAH5-AS1 (DNAH5 antisense RNA 1; plus strand). Cytogenetic location: 5p15.2.
Variant type: Deletion.
Coding change: c.2829_2835del on transcript NM_001369.3 (MANE Select); coding-DNA positions 2829 to 2835, 7 bases deleted (GAAAAAG; older notation c.2829_2835delGAAAAAG).
Protein change: p.Lys946fs; shifts the reading frame from lysine 946.
Molecular consequence: frameshift variant.
Genome position (GRCh38, 1-based): chr5:13,885,137-13,885,143, CTTTTTC deleted on the plus strand (GAAAAAG on the coding strand, the reverse complement: DNAH5 is on the minus strand); deleting any 7 consecutive bases within chr5:13,885,137-13,885,145 gives the same sequence; the c. name uses the placement nearest the transcript's 3' end. VCF-style (leftmost placement, unchanged base first): chr5-13885136-TCTTTTTC-T. GRCh37 (hg19) VCF-style: chr5-13885245-TCTTTTTC-T.
Other names: short protein forms K946fs.
Identifiers: ClinVar variation 4969538 (VCV004969538.2).
Genomic context (GRCh38, chr5:13,885,136, plus strand): 5'-TCTGATGGTTGAAATGAGAGAGTAACTCGCGGGCTTCTTCCCCTAACATCTCAGTTTCTT[TCTTTTTC>T]CTCGTGACTGTCGTCAAAAGCAGGGCATTGGCCCTGGCATTAATAGATGATGTCAAGGTG-3'